The following is an entry in ClinVar:

NM_001042492.3(NF1):c.4787_4790dup (p.Thr1598fs)

Gene: NF1 (neurofibromin 1; plus strand). Cytogenetic location: 17q11.2.
Variant type: Duplication.
Coding change: c.4787_4790dup on transcript NM_001042492.3 (MANE Select); coding-DNA positions 4787 to 4790, 4 bases duplicated (CTGG; older notation c.4787_4790dupCTGG).
Protein change: p.Thr1598fs; shifts the reading frame from threonine 1598.
Molecular consequence: frameshift variant.
Genome position (GRCh38, 1-based): chr17:31,265,291-31,265,294, CTGG duplicated; duplicating any 4 consecutive bases within chr17:31,265,290-31,265,294 gives the same sequence; the c. name uses the placement nearest the transcript's 3' end. VCF-style (leftmost placement, unchanged base first): chr17-31265289-A-AGCTG. GRCh37 (hg19) VCF-style: chr17-29592307-A-AGCTG.
Other names: c.4724_4727dup, p.Thr1577Trpfs (NM_000267.4); short protein forms T1577fs, T1598fs.
Identifiers: ClinVar variation 2010887 (VCV002010887.4), dbSNP rs2508445397, ClinGen allele CA2580093349.

ClinVar aggregate classification (germline): Pathogenic (1 of 4 stars; one submission).

Conditions:
Neurofibromatosis, type 1 (NF1). Also called: Neurofibromatosis, type I; Peripheral type neurofibromatosis; VON RECKLINGHAUSEN DISEASE; NEUROFIBROMATOSIS, TYPE I, SOMATIC. Identifiers: Orphanet 636, MedGen C0027831, MONDO:0018975, OMIM 162200. Disease mechanism: loss of function.

Submission:

Labcorp Genetics (formerly Invitae), Labcorp
Classification: Pathogenic for Neurofibromatosis, type 1. Last evaluated: 2022-06-26. Review status: criteria provided, single submitter. Criteria: Invitae Variant Classification Sherloc (09022015). Collection method: clinical testing. Allele origin: germline.
Comment: For these reasons, this variant has been classified as Pathogenic. This variant has not been reported in the literature in individuals affected with NF1-related conditions. This variant is not present in population databases (gnomAD no frequency). This sequence change creates a premature translational stop signal (p.Thr1577Trpfs*25) in the NF1 gene. It is expected to result in an absent or disrupted protein product. Loss-of-function variants in NF1 are known to be pathogenic (PMID: 10712197, 23913538).

Literature cited by the submitters: PubMed 10712197; PubMed 23913538.